The following is an entry in ClinVar:

ClinVar aggregate classification (germline): Uncertain significance (1 of 4 stars; one submission).

Conditions:
Hereditary cancer-predisposing syndrome. Also called: Tumor predisposition; Hereditary Cancer Syndrome; Hereditary neoplastic syndrome; Neoplastic Syndromes, Hereditary. Identifiers: Orphanet 140162, MedGen C0027672, MeSH D009386, MONDO:0015356.

gnomAD v4.1: 1 of 1,614,036 alleles (0.000062%); highest among the groups gnomAD compares: Non-Finnish European, 0.000085%; no homozygotes.

Submission:

Ambry Genetics
Classification: Uncertain significance for Hereditary cancer-predisposing syndrome. Last evaluated: 2025-10-16. Review status: criteria provided, single submitter. Criteria: Ambry Variant Classification Scheme 2023. Collection method: clinical testing. Allele origin: germline.
Comment: The p.I154F variant (also known as c.460A>T), located in coding exon 3 of the TMEM127 gene, results from an A to T substitution at nucleotide position 460. The isoleucine at codon 154 is replaced by phenylalanine, an amino acid with highly similar properties. This amino acid position is conserved. In addition, this alteration is predicted to be deleterious by in silico analysis. Based on the available evidence, the clinical significance of this variant remains unclear.

NM_017849.4(TMEM127):c.460A>T (p.Ile154Phe)

Gene: TMEM127 (transmembrane protein 127; minus strand). Cytogenetic location: 2q11.2.
Variant type: single nucleotide variant.
Coding change: c.460A>T on transcript NM_017849.4 (MANE Select); coding-DNA position 460, A replaced by T.
Protein change: p.Ile154Phe; replaces isoleucine 154 with phenylalanine.
Molecular consequence: missense variant.
Genome position (GRCh38, 1-based): chr2:96,254,065, T>A on the plus strand (A>T on the coding strand, the complement: TMEM127 is on the minus strand). VCF-style: chr2-96254065-T-A. GRCh37 (hg19) VCF-style: chr2-96919803-T-A.
Other names: c.460A>T, p.Ile154Phe (NM_001193304.3); c.208A>T, p.Ile70Phe (NM_001407282.1, NM_001407283.1); short protein forms I154F, I70F.
Identifiers: ClinVar variation 4552119 (VCV004552119.1).
Genomic context (GRCh38, chr2:96,254,065, plus strand): 5'-CGAAGGTGACATAGACCTGGGATCCATGGTACTTCTTATGCTGCTGCTGCTGGGCCAAGA[T>A]GAGTTCAGAAGCCCAATAAGAAAAGCCAATGACGGTGGCACACTGCAGAACTAGGAGACA-3'
Protein context (NP_060319.1, residues 144-164): IGFSYWASEL[Ile154Phe]LAQQQQHKKY